The following is an entry in ClinVar:

ClinVar aggregate classification (germline): Uncertain significance (1 of 4 stars; one submission).

Allele frequency attached by ClinVar (database versions not stated): gnomAD exomes below 0.00001.
gnomAD v4.1: 1 of 1,398,780 alleles (0.000071%); highest among the groups gnomAD compares: Non-Finnish European, 0.000095%; no homozygotes.

Submission:

Laboratory for Molecular Medicine, Mass General Brigham Personalized Medicine
Classification: Uncertain significance. Last evaluated: 2013-12-05. Review status: criteria provided, single submitter. Criteria: LMM Criteria. Collection method: clinical testing. Allele origin: germline. Observed: 1 variant allele.
Comment: Variant classified as Uncertain Significance - Favor Benign. The Leu525Pro varia nt in USH1C has not been previously reported in individuals with hearing loss. S equencing data from large population studies is insufficient to assess variant f requency. Computational analyses (biochemical amino acid properties, conservati on, AlignGVGD, PolyPhen2, and SIFT) suggest that the Leu525Pro variant may not i mpact the protein, though this information is not predictive enough to rule out pathogenicity. In summary, the clinical significance of this variant cannot be d etermined with certainty; however based upon the computational assessments, we w ould lean towards a more likely benign role.

NM_153676.4(USH1C):c.1574T>C (p.Leu525Pro)

Gene: USH1C (USH1 protein network component harmonin; minus strand). Cytogenetic location: 11p15.1.
Variant type: single nucleotide variant.
Coding change: c.1574T>C on transcript NM_153676.4 (MANE Select); coding-DNA position 1574, T replaced by C.
Protein change: p.Leu525Pro; replaces leucine 525 with proline.
Molecular consequence: missense variant. On other transcripts: intron variant (2).
Genome position (GRCh38, 1-based): chr11:17,509,795, A>G on the plus strand (T>C on the coding strand, the complement: USH1C is on the minus strand). VCF-style: chr11-17509795-A-G. GRCh37 (hg19) VCF-style: chr11-17531342-A-G.
Other names: c.1227+7606T>C (NM_001297764.2); c.1284+7606T>C (NM_005709.4); short protein forms L525P.
Identifiers: ClinVar variation 179319 (VCV000179319.5), dbSNP rs727504790, ClinGen allele CA184192.
Genomic context (GRCh38, chr11:17,509,795, plus strand): 5'-TCGTCCAGGTCAGTGGTGTGCAGGTGCAGTCCGCCTGCGAAGCGTCTCAAGGGTGGGGCC[A>G]GGGGAGACACAGAAGGCGGGGGAGGCGGGGGCCCTGTGGTCATCTGGGGGTGTTGCAAGG-3'
Protein context (NP_710142.1, residues 515-535): PPPPPPSVSP[Leu525Pro]APPLRRFAGG